The following is an entry in ClinVar:

ClinVar aggregate classification (germline): Uncertain significance (1 of 4 stars; one submission).

Allele frequency attached by ClinVar (database versions not stated): gnomAD 0.00001; TOPMed 0.00001; ExAC 0.00002; ESP Exome Variant Server 0.00008.
gnomAD v4.1: 6 of 1,614,106 alleles (0.00037%); highest among the groups gnomAD compares: Non-Finnish European, 0.00051%; no homozygotes.

Submission:

Labcorp Genetics (formerly Invitae), Labcorp
Classification: Uncertain significance. Last evaluated: 2021-12-07. Review status: criteria provided, single submitter. Criteria: Invitae Variant Classification Sherloc (09022015). Collection method: clinical testing. Allele origin: germline.
Comment: This sequence change replaces lysine, which is basic and polar, with asparagine, which is neutral and polar, at codon 397 of the GDF5 protein (p.Lys397Asn). This variant is present in population databases (rs370668642, gnomAD 0.004%). This variant has not been reported in the literature in individuals affected with GDF5-related conditions. Algorithms developed to predict the effect of missense changes on protein structure and function are either unavailable or do not agree on the potential impact of this missense change (SIFT: "Deleterious"; PolyPhen-2: "Benign"; Align-GVGD: "Class C0"). In summary, the available evidence is currently insufficient to determine the role of this variant in disease. Therefore, it has been classified as a Variant of Uncertain Significance.

NM_000557.5(GDF5):c.1191G>C (p.Lys397Asn)

Genes: GDF5 (growth differentiation factor 5; minus strand), GDF5-AS1 (GDF5 antisense RNA 1; plus strand). Cytogenetic location: 20q11.22.
Variant type: single nucleotide variant.
Coding change: c.1191G>C on transcript NM_000557.5 (MANE Select); coding-DNA position 1191, G replaced by C.
Protein change: p.Lys397Asn; replaces lysine 397 with asparagine.
Molecular consequence: missense variant. On other transcripts: non-coding transcript variant (1).
Genome position (GRCh38, 1-based): chr20:35,434,224, C>G on the plus strand (G>C on the coding strand, the complement: GDF5 is on the minus strand). VCF-style: chr20-35434224-C-G. GRCh37 (hg19) VCF-style: chr20-34022022-C-G.
Other names: c.1191G>C, p.Lys397Asn (NM_001319138.2); short protein forms K397N.
Identifiers: ClinVar variation 2184652 (VCV002184652.1), dbSNP rs370668642, ClinGen allele CA9832145.
Genomic context (GRCh38, chr20:35,434,224, plus strand): 5'-CCAGTCGTCCCAGCCCATGTCCTTGAAGTTGACATGCAGTGCCTTCCGACTGCAGCGAGC[C>G]TTAAGGTTCTTGCTGGGTCGCTTGCCCTGGCGAGTGGCCAGTGGGGCCCGCCGTTTTCGC-3'
Protein context (NP_000548.2, residues 387-407): RQGKRPSKNL[Lys397Asn]ARCSRKALHV